The following is an entry in ClinVar:

NR_003051.4(RMRP):n.167T>G

Gene: RMRP (RNA component of mitochondrial RNA processing endoribonuclease; minus strand). Cytogenetic location: 9p13.3.
Variant type: single nucleotide variant.
Genome position: GRCh38 VCF-style: chr9-35657853-A-C. GRCh37 (hg19) VCF-style: chr9-35657850-A-C.
Identifiers: ClinVar variation 1051497 (VCV001051497.7), dbSNP rs1160309777, ClinGen allele CA464450658.

ClinVar aggregate classification (germline): Uncertain significance. Review status: criteria provided, single submitter (1 of 4 stars). 2 submissions from 2 submitters: Uncertain significance (1). 1 of the submissions does not count toward it. Last evaluated 2024-10-21.

Conditions:
Anauxetic dysplasia. Identifiers: Orphanet 93347, MedGen C1846796, MONDO:0011773.
Metaphyseal chondrodysplasia, McKusick type (CHH). Also called: Cartilage-hair hypoplasia; Cartilage-Hair Hypoplasia (CHH). Identifiers: Orphanet 175, MedGen C0220748, MONDO:0009595, OMIM 250250.

Allele frequency attached by ClinVar (database versions not stated): gnomAD 0.00001; TOPMed 0.00001.
gnomAD v4.1: 8 of 693,782 alleles (0.0012%); highest among the groups gnomAD compares: Middle Eastern, 0.036%; no homozygotes.

Submissions (2):

Labcorp Genetics (formerly Invitae), Labcorp
Classification: Uncertain significance for Anauxetic dysplasia. Last evaluated: 2024-10-21. Review status: criteria provided, single submitter. Criteria: Invitae Variant Classification Sherloc (09022015). Collection method: clinical testing. Allele origin: germline.
Comment: This variant occurs in the RMRP gene, which encodes an RNA molecule that does not result in a protein product. This variant is present in population databases (no rsID available, gnomAD 0.007%). This variant has not been reported in the literature in individuals affected with RMRP-related conditions. ClinVar contains an entry for this variant (Variation ID: 1051497). Experimental studies and prediction algorithms are not available or were not evaluated, and the functional significance of this variant is currently unknown. In summary, the available evidence is currently insufficient to determine the role of this variant in disease. Therefore, it has been classified as a Variant of Uncertain Significance.

Natera, Inc.
Classification: Uncertain significance for Cartilage-hair hypoplasia. Last evaluated: 2020-03-10. Review status: no assertion criteria provided. Collection method: clinical testing. Allele origin: germline. Not counted in ClinVar's aggregate classification.